The following is an entry in ClinVar:

NM_024642.5(GALNT12):c.1024T>C (p.Phe342Leu)

Gene: GALNT12 (polypeptide N-acetylgalactosaminyltransferase 12; plus strand). Cytogenetic location: 9q22.33.
Variant type: single nucleotide variant.
Coding change: c.1024T>C on transcript NM_024642.5 (MANE Select); coding-DNA position 1024, T replaced by C.
Protein change: p.Phe342Leu; replaces phenylalanine 342 with leucine.
Molecular consequence: missense variant.
Genome position (GRCh38, 1-based): chr9:98,835,355, T>C. VCF-style: chr9-98835355-T-C. GRCh37 (hg19) VCF-style: chr9-101597637-T-C.
Other names: short protein forms F342L.
Identifiers: ClinVar variation 2566250 (VCV002566250.2), dbSNP rs1588452552, ClinGen allele CA374219549.
Genomic context (GRCh38, chr9:98,835,355, plus strand): 5'-TTTGAATATCTGGGGTCTTATGATACAGGAATGGAAGTTTGGGGAGGAGAAAACCTCGAA[T>C]TTTCCTTTAGGGTAAGTATTTCAGTCTTCTCTTTGGACATGTTCTTAACTGATTCTCTCT-3'
Protein context (NP_078918.3, residues 332-352): MEVWGGENLE[Phe342Leu]SFRIWQCGGV

ClinVar aggregate classification (germline): Uncertain significance (1 of 4 stars; one submission).

Submission:

Ambry Genetics
Classification: Uncertain significance. Last evaluated: 2023-04-06. Review status: criteria provided, single submitter. Criteria: Ambry Variant Classification Scheme 2023. Collection method: clinical testing. Allele origin: germline.
Comment: The p.F342L variant (also known as c.1024T>C), located in coding exon 5 of the GALNT12 gene, results from a T to C substitution at nucleotide position 1024. The phenylalanine at codon 342 is replaced by leucine, an amino acid with highly similar properties. This amino acid position is conserved. In addition, this alteration is predicted to be tolerated by in silico analysis. Since supporting evidence is limited at this time, the clinical significance of this alteration remains unclear.